The following is an entry in ClinVar:

ClinVar aggregate classification (germline): Uncertain significance (1 of 4 stars; one submission).

Submission:

Labcorp Genetics (formerly Invitae), Labcorp
Classification: Uncertain significance. Last evaluated: 2021-01-07. Review status: criteria provided, single submitter. Criteria: Invitae Variant Classification Sherloc (09022015). Collection method: clinical testing. Allele origin: germline.
Comment: Algorithms developed to predict the effect of sequence changes on RNA splicing suggest that this variant may create or strengthen a splice site, but this prediction has not been confirmed by published transcriptional studies. In summary, the available evidence is currently insufficient to determine the role of this variant in disease. Therefore, it has been classified as a Variant of Uncertain Significance. This sequence change creates a premature translational stop signal (p.Tyr172*) in the GNA11 gene. It is expected to result in an absent or disrupted protein product. However, the current clinical and genetic evidence is not sufficient to establish whether loss-of-function variants in GNA11 cause disease. This variant is not present in population databases (ExAC no frequency). This variant has not been reported in the literature in individuals with GNA11-related conditions.

NM_002067.5(GNA11):c.516C>G (p.Tyr172Ter)

Gene: GNA11 (G protein subunit alpha 11; plus strand). Cytogenetic location: 19p13.3.
Variant type: single nucleotide variant.
Coding change: c.516C>G on transcript NM_002067.5 (MANE Select); coding-DNA position 516, C replaced by G.
Protein change: p.Tyr172Ter; replaces tyrosine 172 with a stop codon.
Molecular consequence: nonsense.
Genome position (GRCh38, 1-based): chr19:3,114,983, C>G. VCF-style: chr19-3114983-C-G. GRCh37 (hg19) VCF-style: chr19-3114981-C-G.
Other names: short protein forms Y172*.
Identifiers: ClinVar variation 1356523 (VCV001356523.6), dbSNP rs1568283562, ClinGen allele CA403307824.
Genomic context (GRCh38, chr19:3,114,983, plus strand): 5'-GCACCCACCGCTGTGTTGCAGCTACCTGACCGACGTTGACCGCATCGCCACCTTGGGCTA[C>G]CTGCCCACCCAGCAGGACGTGCTGCGGGTCCGCGTGCCCACCACCGGCATCATCGAGTAC-3'